The following is an entry in ClinVar:

NM_001346754.2(PIGW):c.883C>T (p.Arg295Trp)

Genes: MYO19 (myosin XIX; minus strand), PIGW (phosphatidylinositol glycan anchor biosynthesis class W; plus strand). Cytogenetic location: 17q12.
Variant type: single nucleotide variant.
Coding change: c.883C>T on transcript NM_001346754.2 (MANE Select); coding-DNA position 883, C replaced by T.
Protein change: p.Arg295Trp; replaces arginine 295 with tryptophan.
Molecular consequence: missense variant.
Genome position (GRCh38, 1-based): chr17:36,537,984, C>T. VCF-style: chr17-36537984-C-T. GRCh37 (hg19) VCF-style: chr17-34893833-C-T.
Other names: c.883C>T, p.Arg295Trp (NM_001346755.2, NM_178517.5); short protein forms R295W.
Identifiers: ClinVar variation 475250 (VCV000475250.7), dbSNP rs367592728, ClinGen allele CA290116332.

ClinVar aggregate classification (germline): Uncertain significance (1 of 4 stars; one submission).

Conditions:
Hyperphosphatasia with intellectual disability syndrome 5 (GPIBD11). Also called: GLYCOSYLPHOSPHATIDYLINOSITOL BIOSYNTHESIS DEFECT 11. Identifiers: Orphanet 247262, MedGen C4014958, MONDO:0014457, OMIM 616025.

Allele frequency attached by ClinVar (database versions not stated): gnomAD exomes 0.00004; ExAC 0.00007; gnomAD 0.00009 and 0.00010; TOPMed 0.00012; ESP Exome Variant Server 0.00015.
gnomAD v4.1: 47 of 1,613,862 alleles (0.0029%); highest among the groups gnomAD compares: African/African-American, 0.028%; no homozygotes.

Submission:

Labcorp Genetics (formerly Invitae), Labcorp
Classification: Uncertain significance for Hyperphosphatasia with intellectual disability syndrome 5. Last evaluated: 2024-05-20. Review status: criteria provided, single submitter. Criteria: Invitae Variant Classification Sherloc (09022015). Collection method: clinical testing. Allele origin: germline.
Comment: This sequence change replaces arginine, which is basic and polar, with tryptophan, which is neutral and slightly polar, at codon 295 of the PIGW protein (p.Arg295Trp). This variant is present in population databases (rs367592728, gnomAD 0.04%). This variant has not been reported in the literature in individuals affected with PIGW-related conditions. ClinVar contains an entry for this variant (Variation ID: 475250). Advanced modeling of protein sequence and biophysical properties (such as structural, functional, and spatial information, amino acid conservation, physicochemical variation, residue mobility, and thermodynamic stability) performed at Invitae indicates that this missense variant is expected to disrupt PIGW protein function with a positive predictive value of 80%. In summary, the available evidence is currently insufficient to determine the role of this variant in disease. Therefore, it has been classified as a Variant of Uncertain Significance.